The following is an entry in ClinVar:

ClinVar aggregate classification (germline): Uncertain significance (1 of 4 stars; one submission).

Conditions:
Neutral lipid storage myopathy (NLSDM). Also called: NEUTRAL LIPID STORAGE DISEASE WITHOUT ICHTHYOSIS. Identifiers: Orphanet 98908, MedGen C1853136, MONDO:0012545, OMIM 610717.

Submission:

Labcorp Genetics (formerly Invitae), Labcorp
Classification: Uncertain significance for Neutral lipid storage myopathy. Last evaluated: 2025-10-04. Review status: criteria provided, single submitter. Criteria: Invitae Variant Classification Sherloc (09022015). Collection method: clinical testing. Allele origin: germline.
Comment: This sequence change replaces proline, which is neutral and non-polar, with serine, which is neutral and polar, at codon 493 of the PNPLA2 protein (p.Pro493Ser). This variant is not present in population databases (gnomAD no frequency). This missense change has been observed in individual(s) with PNPLA2-related conditions (PMID: 26602809). An algorithm developed to predict the effect of missense changes on protein structure and function outputs the following: PolyPhen-2: "Benign". The serine amino acid residue is found in multiple mammalian species, which suggests that this missense change does not adversely affect protein function. In summary, the available evidence is currently insufficient to determine the role of this variant in disease. Therefore, it has been classified as a Variant of Uncertain Significance.

Literature cited by the submitters: PubMed 26602809.

NM_020376.4(PNPLA2):c.1477C>T (p.Pro493Ser)

Gene: PNPLA2 (patatin like domain 2, triacylglycerol lipase; plus strand). Cytogenetic location: 11p15.5.
Variant type: single nucleotide variant.
Coding change: c.1477C>T on transcript NM_020376.4 (MANE Select); coding-DNA position 1477, C replaced by T.
Protein change: p.Pro493Ser; replaces proline 493 with serine.
Molecular consequence: missense variant.
Genome position (GRCh38, 1-based): chr11:824,824, C>T. VCF-style: chr11-824824-C-T. GRCh37 (hg19) VCF-style: chr11-824824-C-T.
Other names: short protein forms P493S.
Identifiers: ClinVar variation 4750131 (VCV004750131.1).
Genomic context (GRCh38, chr11:824,824, plus strand): 5'-GACCCAGCATCCCCGCAGCACCAGCTGGCCGGGCCTGCCCCCTTGCTGAGCACCCCTGCT[C>T]CCGAGGCCCGGCCCGTGATCGGGGCCCTGGGGCTGTGAGACCCCGACCCTCTCGAGGAAC-3'
Protein context (NP_065109.1, residues 483-503): GPAPLLSTPA[Pro493Ser]EARPVIGALG